The following is an entry in ClinVar:

ClinVar aggregate classification (germline): Likely benign. Review status: criteria provided, multiple submitters, no conflicts (2 of 4 stars). 2 submissions from 2 submitters: Likely benign (2). Last evaluated 2024-06-09.

Conditions:
Cardiomyopathy (CMYO). Also called: Cardiomyopathies. Identifiers: Orphanet 167848, MedGen C0878544, MONDO:0004994, HP:0001638. Inheritance: Various modes of inheritance.

gnomAD v4.1: 1 of 1,613,872 alleles (0.000062%); highest among the groups gnomAD compares: Non-Finnish European, 0.000085%; no homozygotes.

Submissions (2):

All of Us Research Program, National Institutes of Health
Classification: Likely benign for Cardiomyopathy. Last evaluated: 2024-06-09. Review status: criteria provided, single submitter. Criteria: ACMG Guidelines, 2015. Collection method: clinical testing. Allele origin: germline. Inheritance: Autosomal dominant inheritance. Observed: 1 variant allele, 1 heterozygote.
Comment: This study involves interpretation of variants in research participants for the purpose of population health screening. Participant phenotype was not available at the time of variant classification. Additional details can be found in publication PMID: 35346344, PMCID: PMC8962531

Color Diagnostics, LLC DBA Color Health
Classification: Likely benign for Cardiomyopathy. Last evaluated: 2024-05-28. Review status: criteria provided, single submitter. Criteria: ACMG Guidelines, 2015. Collection method: clinical testing. Allele origin: germline.

NM_000257.4(MYH7):c.4053G>C (p.Thr1351=)

Gene: MYH7 (myosin heavy chain 7; minus strand). Cytogenetic location: 14q11.2.
Variant type: single nucleotide variant.
Coding change: c.4053G>C on transcript NM_000257.4 (MANE Select); coding-DNA position 4053, G replaced by C.
Protein change: p.Thr1351=; no amino-acid change (threonine 1351 retained).
Molecular consequence: synonymous variant.
Genome position (GRCh38, 1-based): chr14:23,418,326, C>G on the plus strand (G>C on the coding strand, the complement: MYH7 is on the minus strand). VCF-style: chr14-23418326-C-G. GRCh37 (hg19) VCF-style: chr14-23887535-C-G.
Other names: c.4053G>C, p.Thr1351= (NM_001407004.1).
Identifiers: ClinVar variation 3387305 (VCV003387305.2).
Genomic context (GRCh38, chr14:23,418,326, plus strand): 5'-CCACTGGGCCACCTCCGAGTTGGCCTTGGAAAGGACGCGCTGCAGCTCGGCCTTGGCCTC[C>G]GTCTCCTCCTCGTACTGCTCCCGCAGCAGGTCGCAGTCATGCCGGGCCGACTGCAGTGCG-3'
Protein context (NP_000248.2, residues 1341-1361): DLLREQYEEE[Thr1351=]EAKAELQRVL